The following is an entry in ClinVar:

ClinVar aggregate classification (germline): Likely benign (1 of 4 stars; one submission).

Allele frequency attached by ClinVar (database versions not stated): ExAC 0.00004.

Submission:

CeGaT Center for Human Genetics Tuebingen
Classification: Likely benign. Last evaluated: 2022-08-01. Review status: criteria provided, single submitter. Criteria: CeGaT Center For Human Genetics Tuebingen Variant Classification Criteria Version 2. Collection method: clinical testing. Allele origin: germline. Affected: yes. Observed: 1 variant allele.
Comment: NBPF10: BP7

NM_001302371.3(NBPF10):c.4104G>A (p.Leu1368=)

Gene: NBPF10 (NBPF member 10; minus strand). Cytogenetic location: 1q21.1.
Variant type: single nucleotide variant.
Coding change: c.4104G>A on transcript NM_001302371.3 (MANE Select); coding-DNA position 4104, G replaced by A.
Protein change: p.Leu1368=; no amino-acid change (leucine 1368 retained).
Molecular consequence: synonymous variant.
Genome position (GRCh38, 1-based): chr1:146,112,172, C>T on the plus strand (G>A on the coding strand, the complement: NBPF10 is on the minus strand). VCF-style: chr1-146112172-C-T. GRCh37 (hg19) VCF-style: chr1-145326006-G-A.
Other names: c.4104G>A, p.Leu1368= (NM_001039703.6).
Identifiers: ClinVar variation 2639094 (VCV002639094.24), dbSNP rs782120834, ClinGen allele CA1052295.
Genomic context (GRCh38, chr1:146,112,172, plus strand): 5'-GTAGGGCTGGCATGAGTCAGTCAGTTCAAGACAACCTGAAGGAGTTGAATAACATCTATC[C>T]AGTGAGTCCTGCAAGACTTCAGGCCCTTTCTCTTCCAGCAGCTCCCTGCTGAGCCTGGAA-3'
Protein context (NP_001289300.1, residues 1358-1378): EKGPEVLQDS[Leu1368=]DRCYSTPSGC